The following is an entry in ClinVar:

ClinVar aggregate classification (germline): Benign/Likely benign (0 of 4 stars; one submission).

Submission:

ISCA site 4
Classification: Benign/Likely benign. Last evaluated: 2012-09-21. Review status: no assertion criteria provided. Collection method: clinical testing. Allele origin: unknown. Affected: yes. Observed: 2 variant alleles.
Comment: Likely benign (1), Benign (1)

Copy number variation identified through the course of routine clinical cytogenomic testing in postnatal populations, with clinical assertions as classified by the original submitter.

GRCh38/hg38 16p11.2-11.1(chr16:35247701-35493160)x3

Gene: LINC01566 (long intergenic non-protein coding RNA 1566; plus strand). Cytogenetic location: 16p11.2-11.1.
Variant type: copy number gain.
Change: copy number 3 (three copies instead of two) of chr16:35,247,701-35,493,160 (245.5 kb, GRCh38 coordinates, 1-based), cytogenetic band 16p11.2-11.1.
Identifiers: ClinVar variation 150423 (VCV000150423.2).